The following is an entry in ClinVar:

NM_001148.6(ANK2):c.8623G>A (p.Glu2875Lys)

Gene: ANK2 (ankyrin 2; plus strand). Cytogenetic location: 4q26.
Variant type: single nucleotide variant.
Coding change: c.8623G>A on transcript NM_001148.6 (MANE Select); coding-DNA position 8623, G replaced by A.
Protein change: p.Glu2875Lys; replaces glutamic acid 2875 with lysine.
Molecular consequence: missense variant. On other transcripts: intron variant (68).
Genome position (GRCh38, 1-based): chr4:113,357,241, G>A. VCF-style: chr4-113357241-G-A. GRCh37 (hg19) VCF-style: chr4-114278397-G-A.
Other names: c.1955-3582G>A (NM_001354281.2, NM_001354278.2); c.827-3582G>A (NM_001386167.1); c.4265-3582G>A (NM_001354262.2, NM_001354275.2, NM_001354245.2); c.4202-3582G>A (NM_001354253.2, NM_001354270.2); c.4166-3582G>A (NM_001354257.2, NM_001386156.1); c.4241-3582G>A (NM_001354249.2, NM_001354266.2, NM_001354276.2 and 2 more transcripts); c.4208-3582G>A (NM_001386146.1, NM_001386150.1, NM_001386149.1 and 1 more transcripts); c.4193-3582G>A (NM_001354274.2, NM_001386154.1); and 35 more; short protein forms E2797K, E2875K, E2914K, E2922K, E1675K.
Identifiers: ClinVar variation 3706157 (VCV003706157.2).

ClinVar aggregate classification (germline): Uncertain significance (1 of 4 stars; one submission).

Conditions:
Long QT syndrome (LQTS). Identifiers: MedGen C0023976, MeSH D008133, MONDO:0002442. Disease mechanism: loss of function. Inheritance: Various modes of inheritance.

gnomAD v4.1: 2 of 1,613,930 alleles (0.00012%); highest among the groups gnomAD compares: Non-Finnish European, 0.00017%; no homozygotes.

Submission:

Labcorp Genetics (formerly Invitae), Labcorp
Classification: Uncertain significance for Long QT syndrome. Last evaluated: 2024-08-01. Review status: criteria provided, single submitter. Criteria: Invitae Variant Classification Sherloc (09022015). Collection method: clinical testing. Allele origin: germline.
Comment: This sequence change replaces glutamic acid, which is acidic and polar, with lysine, which is basic and polar, at codon 2875 of the ANK2 protein (p.Glu2875Lys). This variant is not present in population databases (gnomAD no frequency). This variant has not been reported in the literature in individuals affected with ANK2-related conditions. An algorithm developed to predict the effect of missense changes on protein structure and function (PolyPhen-2) suggests that this variant is likely to be disruptive. In summary, the available evidence is currently insufficient to determine the role of this variant in disease. Therefore, it has been classified as a Variant of Uncertain Significance.